The following is an entry in ClinVar:

NM_001278.5(CHUK):c.2198A>G (p.Asn733Ser)

Gene: CHUK (component of inhibitor of nuclear factor kappa B kinase complex; minus strand). Cytogenetic location: 10q24.31.
Variant type: single nucleotide variant.
Coding change: c.2198A>G on transcript NM_001278.5 (MANE Select); coding-DNA position 2198, A replaced by G.
Protein change: p.Asn733Ser; replaces asparagine 733 with serine.
Molecular consequence: missense variant. On other transcripts: 3 prime UTR variant (1).
Genome position (GRCh38, 1-based): chr10:100,190,879, T>C on the plus strand (A>G on the coding strand, the complement: CHUK is on the minus strand). VCF-style: chr10-100190879-T-C. GRCh37 (hg19) VCF-style: chr10-101950636-T-C.
Other names: c.*21A>G (NM_001320928.2); c.2198A>G (NM_001278.4); short protein forms N733S.
Identifiers: ClinVar variation 1640646 (VCV001640646.9), dbSNP rs151240721, ClinGen allele CA5646244.

ClinVar aggregate classification (germline): Likely benign. Review status: criteria provided, multiple submitters, no conflicts (2 of 4 stars). 2 submissions from 2 submitters: Likely benign (2). Last evaluated 2026-01-02.

Conditions:
CHUK-related disorder. Also called: CHUK-related condition.

Allele frequency attached by ClinVar (database versions not stated): gnomAD exomes 0.00016; ExAC 0.00023; 1000 Genomes Project 30x 0.00047; gnomAD 0.00056 and 0.00060; 1000 Genomes Project 0.00060; TOPMed 0.00060; ESP Exome Variant Server 0.00085.
gnomAD v4.1: 127 of 1,597,522 alleles (0.0079%); highest among the groups gnomAD compares: African/African-American, 0.16%; no homozygotes.

Submissions (2):

PreventionGenetics, part of Exact Sciences
Classification: Likely benign for CHUK-related condition. Last evaluated: 2026-01-02. Review status: criteria provided, single submitter. Criteria: ACMG Guidelines, 2015. Collection method: clinical testing. Allele origin: germline.
Comment: This variant is classified as likely benign based on ACMG/AMP sequence variant interpretation guidelines (Richards et al. 2015 PMID: 25741868, with internal and published modifications).

Labcorp Genetics (formerly Invitae), Labcorp
Classification: Likely benign. Last evaluated: 2025-08-29. Review status: criteria provided, single submitter. Criteria: Invitae Variant Classification Sherloc (09022015). Collection method: clinical testing. Allele origin: germline.